The following is an entry in ClinVar:

ClinVar aggregate classification (germline): Pathogenic (1 of 4 stars; one submission).

Conditions:
Autosomal recessive limb-girdle muscular dystrophy type 2D (LGMDR3). Also called: DUCHENNE-LIKE AUTOSOMAL RECESSIVE MUSCULAR DYSTROPHY, TYPE 2; ADHALINOPATHY, PRIMARY; MUSCULAR DYSTROPHY, LIMB-GIRDLE, AUTOSOMAL RECESSIVE 3. Identifiers: Orphanet 62, MedGen C2936332, MONDO:0011968, OMIM 608099. Disease mechanism: Affects gamma-sarcoglycan and also disrupts the integrity of the entire sarcoglycan complex..

Submission:

Labcorp Genetics (formerly Invitae), Labcorp
Classification: Pathogenic for Autosomal recessive limb-girdle muscular dystrophy type 2D. Last evaluated: 2019-03-01. Review status: criteria provided, single submitter. Criteria: Invitae Variant Classification Sherloc (09022015). Collection method: clinical testing. Allele origin: germline.
Comment: For these reasons, this variant has been classified as Pathogenic. Loss-of-function variants in SGCA are known to be pathogenic (PMID: 9192266). This variant has not been reported in the literature in individuals with SGCA-related conditions. This variant is not present in population databases (ExAC no frequency). This sequence change creates a premature translational stop signal (p.Glu137Serfs*74) in the SGCA gene. It is expected to result in an absent or disrupted protein product.

Literature cited by the submitters: PubMed 9192266.

NM_000023.4(SGCA):c.408del (p.Glu137fs)

Gene: SGCA (sarcoglycan alpha; plus strand). Cytogenetic location: 17q21.33.
Variant type: Deletion.
Coding change: c.408del on transcript NM_000023.4 (MANE Select); coding-DNA position 408, one base deleted (C; older notation c.408delC).
Protein change: p.Glu137fs; shifts the reading frame from glutamic acid 137.
Molecular consequence: frameshift variant. On other transcripts: non-coding transcript variant (1).
Genome position (GRCh38, 1-based): chr17:50,168,396, C deleted; the last of 2 consecutive C bases (chr17:50,168,395-50,168,396); deleting either gives the same sequence. VCF-style (leftmost placement, unchanged base first): chr17-50168394-GC-G. GRCh37 (hg19) VCF-style: chr17-48245755-GC-G.
Other names: c.408del, p.Glu137fs (NM_001135697.3); short protein forms E137fs.
Identifiers: ClinVar variation 858005 (VCV000858005.8), dbSNP rs1905103030, ClinGen allele CA916080882.
Genomic context (GRCh38, chr17:50,168,394, plus strand): 5'-GGGCTGGGTGCAGCCTGAGGTGTCCACCTGGCCTTCCCAGGCCCCCTGCTGCCATACCAA[GC>G]CGAGTTCCTGGTGCGCAGCCACGATGCGGAGGAGGTGCTGCCCTCAACACCTGCCAGCCG-3'